The following is an entry in ClinVar:

ClinVar aggregate classification (germline): Uncertain significance (1 of 4 stars; one submission).

Submission:

Labcorp Genetics (formerly Invitae), Labcorp
Classification: Uncertain significance. Last evaluated: 2023-06-20. Review status: criteria provided, single submitter. Criteria: Invitae Variant Classification Sherloc (09022015). Collection method: clinical testing. Allele origin: germline.
Comment: In summary, the available evidence is currently insufficient to determine the role of this variant in disease. Therefore, it has been classified as a Variant of Uncertain Significance. Experimental studies and prediction algorithms are not available or were not evaluated, and the functional significance of this variant is currently unknown. ClinVar contains an entry for this variant (Variation ID: 934492). This variant has not been reported in the literature in individuals affected with ZNF408-related conditions. This variant is present in population databases (rs764897691, gnomAD 0.008%). This variant, c.2008_2010del, results in the deletion of 1 amino acid(s) of the ZNF408 protein (p.Ala670del), but otherwise preserves the integrity of the reading frame.

NM_024741.3(ZNF408):c.2008_2010del (p.Ala670del)

Gene: ZNF408 (zinc finger protein 408; plus strand). Cytogenetic location: 11p11.2.
Variant type: Deletion.
Coding change: c.2008_2010del on transcript NM_024741.3 (MANE Select); coding-DNA positions 2008 to 2010, 3 bases deleted (GCC; older notation c.2008_2010delGCC).
Protein change: p.Ala670del; deletes alanine 670.
Molecular consequence: inframe deletion.
Genome position (GRCh38, 1-based): chr11:46,705,708-46,705,710, GCC deleted; deleting any 3 consecutive bases within chr11:46,705,706-46,705,710 gives the same sequence; the c. name uses the placement nearest the transcript's 3' end. VCF-style (leftmost placement, unchanged base first): chr11-46705705-CCCG-C. GRCh37 (hg19) VCF-style: chr11-46727255-CCCG-C.
Other names: c.1984_1986del, p.Ala662del (NM_001184751.2); short protein forms A662del, A670del.
Identifiers: ClinVar variation 934492 (VCV000934492.9), dbSNP rs764897691, ClinGen allele CA5966693.